The following is an entry in ClinVar:

NM_001041.4(SI):c.793del (p.Gln265fs)

Gene: SI (sucrase-isomaltase; minus strand). Cytogenetic location: 3q26.1.
Variant type: Deletion.
Coding change: c.793del on transcript NM_001041.4 (MANE Select); coding-DNA position 793, one base deleted (C; older notation c.793delC).
Protein change: p.Gln265fs; shifts the reading frame from glutamine 265.
Molecular consequence: frameshift variant.
Genome position (GRCh38, 1-based): chr3:165,065,275, G deleted on the plus strand (C on the coding strand, the reverse complement: SI is on the minus strand); the first of 2 consecutive G bases (chr3:165,065,275-165,065,276); deleting either gives the same sequence. VCF-style (leftmost placement, unchanged base first): chr3-165065274-TG-T. GRCh37 (hg19) VCF-style: chr3-164783062-TG-T.
Other names: short protein forms Q265fs.
Identifiers: ClinVar variation 1179179 (VCV001179179.2), dbSNP rs1714177959, ClinGen allele CA1417375272.

ClinVar aggregate classification (germline): Pathogenic (1 of 4 stars; one submission).

Conditions:
Sucrase-isomaltase deficiency (CSID). Also called: Deficiency of isomaltase; SI DEFICIENCY; Congenital sucrose isomaltose malabsorption; Sucrose isomaltose enzyme deficiency. Identifiers: Orphanet 35122, MedGen C1283620, MONDO:0009114, OMIM 222900.

Submission:

Fulgent Genetics
Classification: Pathogenic for Sucrase-isomaltase deficiency. Last evaluated: 2021-06-30. Review status: criteria provided, single submitter. Criteria: ACMG Guidelines, 2015. Collection method: clinical testing. Allele origin: unknown.
Comment: This variant has been detected in individual(s) who were sent for testing of Renasight - kidney gene panel.